The following is an entry in ClinVar:

NM_001002755.4(NFU1):c.302+3A>G

Gene: NFU1 (NFU1 iron-sulfur cluster scaffold; minus strand). Cytogenetic location: 2p13.3.
Variant type: single nucleotide variant.
Coding change: c.302+3A>G on transcript NM_001002755.4 (MANE Select); 3 bases into the intron after coding-DNA position 302, A replaced by G.
Molecular consequence: intron variant.
Genome position (GRCh38, 1-based): chr2:69,423,579, T>C on the plus strand (A>G on the coding strand, the complement: NFU1 is on the minus strand). VCF-style: chr2-69423579-T-C. GRCh37 (hg19) VCF-style: chr2-69650711-T-C.
Other names: IVS3, A-G, +3; c.230+3A>G (NM_015700.4, NM_001374284.1); c.-121-3975A>G (NM_001002756.2).
Identifiers: ClinVar variation 1712751 (VCV001712751.8), dbSNP rs559190059, ClinGen allele CA1694238.

ClinVar aggregate classification (germline): Conflicting classifications of pathogenicity. Review status: criteria provided, conflicting classifications (1 of 4 stars). 3 submissions from 3 submitters: Pathogenic (1); Uncertain significance (1). 1 of the submissions does not count toward it. Last evaluated 2025-02-24.

Conditions:
Multiple mitochondrial dysfunctions syndrome 1 (MMDS1). Identifiers: Orphanet 401869, MedGen C3276432, MONDO:0011582, OMIM 605711.

Allele frequency attached by ClinVar (database versions not stated): ExAC 0.00001; gnomAD 0.00001; gnomAD exomes 0.00001; TOPMed 0.00002; 1000 Genomes Project 0.00020; 1000 Genomes Project 30x 0.00031.
gnomAD v4.1: 11 of 1,612,938 alleles (0.00068%); highest among the groups gnomAD compares: African/African-American, 0.004%; no homozygotes.

Submissions (3):

Labcorp Genetics (formerly Invitae), Labcorp
Classification: Uncertain significance for Multiple mitochondrial dysfunctions syndrome 1. Last evaluated: 2025-02-24. Review status: criteria provided, single submitter. Criteria: Invitae Variant Classification Sherloc (09022015). Collection method: clinical testing. Allele origin: germline.
Comment: This sequence change falls in intron 3 of the NFU1 gene. It does not directly change the encoded amino acid sequence of the NFU1 protein. It affects a nucleotide within the consensus splice site. This variant is present in population databases (rs559190059, gnomAD 0.007%). This variant has been observed in individual(s) with multiple mitochondrial dysfunctions syndrome (PMID: 25918518). ClinVar contains an entry for this variant (Variation ID: 1712751). Variants that disrupt the consensus splice site are a relatively common cause of aberrant splicing (PMID: 17576681, 9536098). Algorithms developed to predict the effect of sequence changes on RNA splicing suggest that this variant may disrupt the consensus splice site. In summary, the available evidence is currently insufficient to determine the role of this variant in disease. Therefore, it has been classified as a Variant of Uncertain Significance.

GeneDx
Classification: Pathogenic. Last evaluated: 2022-04-28. Review status: criteria provided, single submitter. Criteria: GeneDx Variant Classification Process June 2021. Collection method: clinical testing. Allele origin: germline. Affected: yes.
Comment: Published functional studies demonstrate that this variant causes aberrant splicing (Ahting et al., 2015); Not observed at significant frequency in large population cohorts (gnomAD); This variant is associated with the following publications: (PMID: 25918518)

OMIM
Classification: Pathogenic for MULTIPLE MITOCHONDRIAL DYSFUNCTIONS SYNDROME 1. Last evaluated: 2024-09-12. Review status: no assertion criteria provided. Collection method: literature only. Allele origin: germline. Not counted in ClinVar's aggregate classification.

Literature cited by the submitters: PubMed 25918518 (cited by Labcorp Genetics (formerly Invitae), Labcorp and OMIM); PubMed 17576681 (cited by Labcorp Genetics (formerly Invitae), Labcorp); PubMed 9536098 (cited by Labcorp Genetics (formerly Invitae), Labcorp).